The following is an entry in ClinVar:

ClinVar aggregate classification (germline): Uncertain significance (1 of 4 stars; one submission).

Allele frequency attached by ClinVar (database versions not stated): gnomAD exomes below 0.00001; gnomAD 0.00001; TOPMed 0.00001.
gnomAD v4.1: 10 of 1,611,646 alleles (0.00062%); highest among the groups gnomAD compares: Non-Finnish European, 0.00068%; no homozygotes.

Submission:

Labcorp Genetics (formerly Invitae), Labcorp
Classification: Uncertain significance. Last evaluated: 2021-02-18. Review status: criteria provided, single submitter. Criteria: Invitae Variant Classification Sherloc (09022015). Collection method: clinical testing. Allele origin: germline.
Comment: In summary, the available evidence is currently insufficient to determine the role of this variant in disease. Therefore, it has been classified as a Variant of Uncertain Significance. Algorithms developed to predict the effect of missense changes on protein structure and function (SIFT, PolyPhen-2, Align-GVGD) all suggest that this variant is likely to be disruptive, but these predictions have not been confirmed by published functional studies and their clinical significance is uncertain. This variant has not been reported in the literature in individuals with SLC34A3-related conditions. This variant is not present in population databases (ExAC no frequency). This sequence change replaces proline with serine at codon 500 of the SLC34A3 protein (p.Pro500Ser). The proline residue is highly conserved and there is a moderate physicochemical difference between proline and serine.

NM_001177316.2(SLC34A3):c.1498C>T (p.Pro500Ser)

Gene: SLC34A3 (solute carrier family 34 member 3; plus strand). Cytogenetic location: 9q34.3.
Variant type: single nucleotide variant.
Coding change: c.1498C>T on transcript NM_001177316.2 (MANE Select); coding-DNA position 1498, C replaced by T.
Protein change: p.Pro500Ser; replaces proline 500 with serine.
Molecular consequence: missense variant.
Genome position (GRCh38, 1-based): chr9:137,236,114, C>T. VCF-style: chr9-137236114-C-T. GRCh37 (hg19) VCF-style: chr9-140130566-C-T.
Other names: c.1498C>T, p.Pro500Ser (NM_001177317.2, NM_080877.3); short protein forms P500S.
Identifiers: ClinVar variation 1378483 (VCV001378483.8), dbSNP rs1404221017, ClinGen allele CA375740842.